The following continues an entry in ClinVar:

NM_003002.4(SDHD):c.341A>G (p.Tyr114Cys)

Gene: SDHD. ClinVar aggregate classification (germline): Pathogenic. Pathogenic (13).

Submissions 10 to 15 of 15:

Blueprint Genetics
Classification: Pathogenic for SDHD-related disorders. Last evaluated: 2022-03-14. Review status: criteria provided, single submitter. Criteria: ACMG Guidelines, 2015. Collection method: clinical testing. Allele origin: germline. Affected: yes. Observed: 2 variant alleles.

Sema4
Classification: Pathogenic for Hereditary cancer-predisposing syndrome. Last evaluated: 2021-12-22. Review status: criteria provided, single submitter. Criteria: Sema4 Curation Guidelines. Collection method: curation. Allele origin: germline.
Comment: The SDHD c.341A>G (p.Y114C) variant has been reported in heterozygosity in multiple individuals with head and neck paragangliomas (PMID: 11343322, 22456618, 23433498, 17563904, 16080474, among others). Functional studies have shown that this variant alters growth and increases mitochondrial DNA hypermutability in yeast-based assays (PMID: 23175444). This variant was identified in multiple families, where it was found to segregate with the phenotype across several individuals (PMID: 17563904, 16080474, 25275255), and also showed a maternal imprinting effect, consistent with the known inheritance pattern of hereditary paragangliomas (PMID: 17563904). It has also been reported as a founder variant in the northern Italian population (PMID: 22456618). This variant is not reported in the population database Genome Aggregation Database (PMID: 32461654), but has been reported in ClinVar (Variation ID: 6900). Based on the current evidence available, this variant is interpreted as pathogenic.

ARUP Laboratories, Molecular Genetics and Genomics, ARUP Laboratories
Classification: Pathogenic. Last evaluated: 2019-07-26. Review status: criteria provided, single submitter. Criteria: ARUP Molecular Germline Variant Investigation Process. Collection method: clinical testing. Allele origin: germline.
Comment: The SDHD c.341A>G; p.Tyr114Cys variant (rs104894304) is reported in the literature in multiple individuals and families affected with pheochromocytoma or paraganglioma (Andrews 2018, Antonello 2008, Benn 2006, Braun 2005, Fish 2007, Milunsky 2001, Neumann 2004, Piccini 2012, Richter 2019), and is a common variant in Italy due to a founder effect (Schiavi 2012). This variant is reported as pathogenic by multiple laboratories in ClinVar (Variation ID: 6900), and is absent from general population databases (Exome Variant Server, Genome Aggregation Database), indicating it is not a common polymorphism. The tyrosine at codon 114 is highly conserved, and computational analyses (SIFT, PolyPhen-2) predict that this variant is deleterious. In vitro functional analyses in yeast demonstrate a complete loss of ubiquinone reductase activity (Panizza 2013). Based on available information, this variant is considered to be pathogenic. References: Andrews KA et al. Tumour risks and genotype-phenotype correlations associated with germline variants in succinate dehydrogenase subunit genes SDHB, SDHC and SDHD. J Med Genet. 2018 Jun;55(6):384-394. Antonello M et al. Role of the genetic study in the management of carotid body tumor in paraganglioma syndrome. Eur J Vasc Endovasc Surg. 2008 Nov;36(5):517-9. Benn DE et al. Clinical presentation and penetrance of pheochromocytoma/paraganglioma syndromes. J Clin Endocrinol Metab. 2006 Mar;91(3):827-36. Braun S et al. Active succinate dehydrogenase (SDH) and lack of SDHD mutations in sporadic paragangliomas. Anticancer Res. 2005 Jul-Aug;25(4):2809-14. Fish JH et al. Systematic screening and treatment evaluation of hereditary neck paragangliomas. Head Neck. 2007 Sep;29(9):864-73. Milunsky JM et al. Novel mutations and the emergence of a common mutation in the SDHD gene causing familial paraganglioma. Am J Med Genet. 2001 May 15;100(4):311-4. Neumann HP et al. Distinct clinical features of paraganglioma syndromes associated with SDHB and SDHD gene mutations. JAMA. 2004 Aug 25;292(8):943-51. Panizza E et al. Yeast model for evaluating the pathogenic significance of SDHB, SDHC and SDHD mutations in PHEO-PGL syndrome. Hum Mol Genet. 2013 Feb 15;22(4):804-15. Piccini V et al. Head and neck paragangliomas: genetic spectrum and clinical variability in 79 consecutive patients. Endocr Relat Cancer. 2012 Apr 10;19(2):149-55. Richter S et al. Metabolome-guided genomics to identify pathogenic variants in isocitrate dehydrogenase, fumarate hydratase, and succinate dehydrogenase genes in pheochromocytoma and paraganglioma. Genet Med. 2019 Mar;21(3):705-717. Schiavi F et al. The endemic paraganglioma syndrome type 1: origin, spread, and clinical expression. J Clin Endocrinol Metab. 2012 Apr;97(4):E637-41.

Laboratory for Molecular Medicine, Mass General Brigham Personalized Medicine
Classification: Pathogenic for Hereditary pheochromocytoma and paraganglioma. Last evaluated: 2013-05-20. Review status: criteria provided, single submitter. Criteria: LMM Criteria. Collection method: clinical testing. Allele origin: germline. Observed: 1 variant allele.
Comment: Recently, the Tyr114Cys variant has been reported to have arisen as a founder effect in a population originating from the region surrounding Torentino, Italy (Schiavi, 2012). Schiavi and colleagues studied 15 Italian index cases with HNPG L and found the Tyr114Cys variant segregated with disease in 138 affected relati ves from 95 families (Schiavi, 2012). Functional studies have shown that the Tyr 114Cys variant impacts protein function, and results in complete loss of ubiquin one reductase activity in yeast (Panizza, 2013). However, this in vitro assay ma y not accurately represent biological function. This variant has not been identi fied in large population studies. Computational analyses (biochemical amino acid properties, conservation, AlignGVGD, PolyPhen2, and SIFT) suggest that the Tyr1 14Cys variant may impact the protein, though this information is not predictive enough to determine pathogenicity. In summary, this variant meets our criteria t o be classified as pathogenic based upon segrega tion studies, absence from controls and functional evidence supporting the varia nt causing a functional defect on the protein.

OMIM
Classification: Pathogenic for PHEOCHROMOCYTOMA/PARAGANGLIOMA SYNDROME 1. Last evaluated: 2001-05-15. Review status: no assertion criteria provided. Collection method: literature only. Allele origin: germline. Not counted in ClinVar's aggregate classification.

Section on Medical Neuroendocrinolgy, National Institutes of Health
Classification: Pathogenic for Hereditary pheochromocytoma and paraganglioma. Review status: no assertion criteria provided. Collection method: research. Allele origin: germline. Affected: yes. Not counted in ClinVar's aggregate classification.

Literature cited by the submitters: PubMed 22456618 (cited by 6 submitters); PubMed 32462735 (cited by Myriad Genetics, Inc.); PubMed 16080474 (cited by 6 submitters); PubMed 19454582 (cited by Myriad Genetics, Inc.); PubMed 23433498 (cited by 5 submitters); PubMed 25328978 (cited by 3 submitters); PubMed 22323561 (cited by Myriad Genetics, Inc.); PubMed 11343322 (cited by 7 submitters); PubMed 16317055 (cited by 3 submitters); PubMed 17563904 (cited by 6 submitters); PubMed 25275255 (cited by 3 submitters); PubMed 27279923 (cited by 6 submitters); PubMed 29386252 (cited by 3 submitters); PubMed 23175444 (cited by 7 submitters); PubMed 18692411 (cited by 3 submitters); PubMed 22241717 (cited by 3 submitters); PubMed 17208193 (cited by All of Us Research Program, National Institutes of Health and Color Diagnostics, LLC DBA Color Health); PubMed 30375904 (cited by All of Us Research Program, National Institutes of Health and Color Diagnostics, LLC DBA Color Health).